The following is an entry in ClinVar:

ClinVar aggregate classification (germline): Uncertain significance (1 of 4 stars; one submission).

Submission:

Labcorp Genetics (formerly Invitae), Labcorp
Classification: Uncertain significance. Last evaluated: 2019-10-22. Review status: criteria provided, single submitter. Criteria: Invitae Variant Classification Sherloc (09022015). Collection method: clinical testing. Allele origin: germline.
Comment: In summary, the available evidence is currently insufficient to determine the role of this variant in disease. Therefore, it has been classified as a Variant of Uncertain Significance. Algorithms developed to predict the effect of missense changes on protein structure and function (SIFT, PolyPhen-2, Align-GVGD) all suggest that this variant is likely to be disruptive, but these predictions have not been confirmed by published functional studies and their clinical significance is uncertain. This variant has not been reported in the literature in individuals with CACNA1F-related conditions. This variant is not present in population databases (ExAC no frequency). This sequence change replaces cysteine with tyrosine at codon 936 of the CACNA1F protein (p.Cys936Tyr). The cysteine residue is highly conserved and there is a large physicochemical difference between cysteine and tyrosine.

NM_001256789.3(CACNA1F):c.2774G>A (p.Cys925Tyr)

Gene: CACNA1F (calcium voltage-gated channel subunit alpha1 F; minus strand). Cytogenetic location: Xp11.23.
Variant type: single nucleotide variant.
Coding change: c.2774G>A on transcript NM_001256789.3 (MANE Select); coding-DNA position 2774, G replaced by A.
Protein change: p.Cys925Tyr; replaces cysteine 925 with tyrosine.
Molecular consequence: missense variant.
Genome position (GRCh38, 1-based): chrX:49,218,695, C>T on the plus strand (G>A on the coding strand, the complement: CACNA1F is on the minus strand). VCF-style: chrX-49218695-C-T. GRCh37 (hg19) VCF-style: chrX-49075154-C-T.
Other names: c.2612G>A, p.Cys871Tyr (NM_001256790.3); c.2807G>A, p.Cys936Tyr (NM_005183.4); short protein forms C936Y, C871Y, C925Y.
Identifiers: ClinVar variation 958088 (VCV000958088.9), dbSNP rs1557108067, ClinGen allele CA412964911.
Genomic context (GRCh38, chrX:49,218,695, plus strand): 5'-CCAAAGGAGATGAGGGACACACTGACCACCAGCAGATCCAACATATTAAACCAGCTACGG[C>T]AGAAGGAGCCGCGGTGCAGGAAGGCCCCAAACACTGTCATCTGGGGACAGGACAAGAGGC-3'
Protein context (NP_001243718.1, residues 915-935): FGAFLHRGSF[Cys925Tyr]RSWFNMLDLL